The following is an entry in ClinVar:

NM_006231.4(POLE):c.2926C>G (p.Arg976Gly)

Gene: POLE (DNA polymerase epsilon, catalytic subunit; minus strand). Cytogenetic location: 12q24.33.
Variant type: single nucleotide variant.
Coding change: c.2926C>G on transcript NM_006231.4 (MANE Select); coding-DNA position 2926, C replaced by G.
Protein change: p.Arg976Gly; replaces arginine 976 with glycine.
Molecular consequence: missense variant.
Genome position (GRCh38, 1-based): chr12:132,661,103, G>C on the plus strand (C>G on the coding strand, the complement: POLE is on the minus strand). VCF-style: chr12-132661103-G-C. GRCh37 (hg19) VCF-style: chr12-133237689-G-C.
Other names: short protein forms R976G.
Identifiers: ClinVar variation 2781786 (VCV002781786.3), dbSNP rs1060500820, ClinGen allele CA387392668.
Genomic context (GRCh38, chr12:132,661,103, plus strand): 5'-CCTTGAGGAAGGCCTCAAACACCGAGGATTGGAAGATCTTAATCAGCTGCAGTTCCCCGC[G>C]GCGTTTGACCTCAAAGCCCTTGAGCTCAGCCAGAGAACCGTCTTCATTGAACACAGCATA-3'
Protein context (NP_006222.2, residues 966-986): AELKGFEVKR[Arg976Gly]GELQLIKIFQ

ClinVar aggregate classification (germline): Uncertain significance (1 of 4 stars; one submission).

Submission:

Labcorp Genetics (formerly Invitae), Labcorp
Classification: Uncertain significance. Last evaluated: 2023-02-07. Review status: criteria provided, single submitter. Criteria: Invitae Variant Classification Sherloc (09022015). Collection method: clinical testing. Allele origin: germline.
Comment: In summary, the available evidence is currently insufficient to determine the role of this variant in disease. Therefore, it has been classified as a Variant of Uncertain Significance. This sequence change replaces arginine, which is basic and polar, with glycine, which is neutral and non-polar, at codon 976 of the POLE protein (p.Arg976Gly). This variant is not present in population databases (gnomAD no frequency). This variant has not been reported in the literature in individuals affected with POLE-related conditions. Advanced modeling of protein sequence and biophysical properties (such as structural, functional, and spatial information, amino acid conservation, physicochemical variation, residue mobility, and thermodynamic stability) performed at Invitae indicates that this missense variant is expected to disrupt POLE protein function.